The following is an entry in ClinVar:

ClinVar aggregate classification (germline): Uncertain significance (1 of 4 stars; one submission).

Conditions:
Treacher Collins syndrome 2 (TCS2). Also called: POLR1D-Related Treacher Collins Syndrome; TREACHER COLLINS SYNDROME 2, AUTOSOMAL RECESSIVE. Identifiers: Orphanet 861, MedGen C3150983, MONDO:0013385, OMIM 613717.

Submissions (2):

Institute of Human Genetics, University of Goettingen
Classification: Uncertain significance for Treacher Collins syndrome 2. Last evaluated: 2025-03-25. Review status: criteria provided, single submitter. Criteria: ACMG Guidelines, 2015. Collection method: clinical testing. Allele origin: unknown. Inheritance: Autosomal dominant inheritance. Affected: yes. Observed: 1 heterozygote.
Comment: The variant c.26+2T>A (p.?) in intron 1 of the POLR1D gene is not found in the gnomAD database. This variant is close to a donor splice site. The consequence of this change is not predictable. ACMG criteria used for classification: PVS1_sup, PM2_sup.

Dr. Peter K. Rogan Lab, Western University
No classification provided (evidence only). Condition: Ovarian serous cystadenocarcinoma. Review status: no classification provided. Collection method: in vitro. Allele origin: not applicable. Functional consequence: retained intron. Not counted in ClinVar's aggregate classification.

NM_015972.4(POLR1D):c.26+2T>A

Genes: POLR1D (RNA polymerase I and III subunit D; plus strand), LOC130009445 (ATAC-STARR-seq lymphoblastoid silent region 5204; plus strand), LOC147380392 (uncharacterized LOC147380392; plus strand). Cytogenetic location: 13q12.2.
Variant type: single nucleotide variant.
Coding change: c.26+2T>A on transcript NM_015972.4 (MANE Select); the canonical splice donor site of the intron after coding-DNA position 26, T replaced by A.
Molecular consequence: splice donor variant. On other transcripts: intron variant (1).
Genome position (GRCh38, 1-based): chr13:27,622,011, T>A. VCF-style: chr13-27622011-T-A. GRCh37 (hg19) VCF-style: chr13-28196148-T-A.
Other names: NC_000013.10:g.28196148T>A; c.-59+871T>A (NM_001206559.2); c.26+2T>A (NM_001374407.1, NM_152705.3).
Identifiers: ClinVar variation 4082094 (VCV004082094.2).
Genomic context (GRCh38, chr13:27,622,011, plus strand): 5'-GCACCACCTGAGGATCCAGAAACCGCCCCAGCGATGGAAGAGGATCAGGAGCTGGAGAGG[T>A]AACGGCCGAGGAGGAGGCGGGCGGAGCGGGCCGCGCCCAAGGGGAGCGGGTGGCCGAGGG-3'